The following is an entry in ClinVar:

ClinVar aggregate classification (germline): Uncertain significance (1 of 4 stars; one submission).

Conditions:
Brugada syndrome 8 (BRGDA8). Identifiers: Orphanet 130, MedGen C2751083, MONDO:0013148, OMIM 613123.

Submission:

Labcorp Genetics (formerly Invitae), Labcorp
Classification: Uncertain significance for Brugada syndrome 8. Last evaluated: 2024-04-25. Review status: criteria provided, single submitter. Criteria: Invitae Variant Classification Sherloc (09022015). Collection method: clinical testing. Allele origin: germline.
Comment: This sequence change creates a premature translational stop signal (p.Ser854Tyrfs*18) in the HCN4 gene. While this is not anticipated to result in nonsense mediated decay, it is expected to disrupt the last 350 amino acid(s) of the HCN4 protein. This variant is not present in population databases (gnomAD no frequency). This variant has not been reported in the literature in individuals affected with HCN4-related conditions. Experimental studies and prediction algorithms are not available or were not evaluated, and the functional significance of this variant is currently unknown. In summary, the available evidence is currently insufficient to determine the role of this variant in disease. Therefore, it has been classified as a Variant of Uncertain Significance.

NM_005477.3(HCN4):c.2561del (p.Ser854fs)

Gene: HCN4 (hyperpolarization activated cyclic nucleotide gated potassium channel 4; minus strand). Cytogenetic location: 15q24.1.
Variant type: Deletion.
Coding change: c.2561del on transcript NM_005477.3 (MANE Select); coding-DNA position 2561, one base deleted (C; older notation c.2561delC).
Protein change: p.Ser854fs; shifts the reading frame from serine 854.
Molecular consequence: frameshift variant.
Genome position (GRCh38, 1-based): chr15:73,323,532, G deleted on the plus strand (C on the coding strand, the reverse complement: HCN4 is on the minus strand). VCF-style (leftmost placement, unchanged base first): chr15-73323531-TG-T. GRCh37 (hg19) VCF-style: chr15-73615872-TG-T.
Other names: short protein forms S854fs.
Identifiers: ClinVar variation 3650842 (VCV003650842.2).